The following is an entry in ClinVar:

NM_024649.5(BBS1):c.1580T>C (p.Leu527Pro)

Genes: BBS1 (Bardet-Biedl syndrome 1; plus strand), ZDHHC24 (zDHHC palmitoyltransferase 24; minus strand). Cytogenetic location: 11q13.2.
Variant type: single nucleotide variant.
Coding change: c.1580T>C on transcript NM_024649.5 (MANE Select); coding-DNA position 1580, T replaced by C.
Protein change: p.Leu527Pro; replaces leucine 527 with proline.
Molecular consequence: missense variant. On other transcripts: intron variant (1).
Genome position (GRCh38, 1-based): chr11:66,531,000, T>C. VCF-style: chr11-66531000-T-C. GRCh37 (hg19) VCF-style: chr11-66298471-T-C.
Other names: c.560-1512A>G (NM_001348571.2); short protein forms L527P.
Identifiers: ClinVar variation 3358634 (VCV003358634.1).

ClinVar aggregate classification (germline): Uncertain significance (0 of 4 stars; one submission).

Conditions:
BBS1-related disorder. Also called: BBS1-related condition.

gnomAD v4.1: 5 of 1,614,194 alleles (0.00031%); highest among the groups gnomAD compares: Non-Finnish European, 0.00042%; no homozygotes.

Submission:

PreventionGenetics, part of Exact Sciences
Classification: Uncertain significance for BBS1-related condition. Last evaluated: 2024-05-03. Review status: no assertion criteria provided. Collection method: clinical testing. Allele origin: germline.
Comment: The BBS1 c.1580T>C variant is predicted to result in the amino acid substitution p.Leu527Pro. To our knowledge, this variant has not been reported in the literature. This variant is reported in 0.00088% of alleles in individuals of European (Non-Finnish) descent in gnomAD. At this time, the clinical significance of this variant is uncertain due to the absence of conclusive functional and genetic evidence.